The following is an entry in ClinVar:

NM_170606.3(KMT2C):c.13154A>T (p.Lys4385Ile)

Gene: KMT2C (lysine methyltransferase 2C; minus strand). Cytogenetic location: 7q36.1.
Variant type: single nucleotide variant.
Coding change: c.13154A>T on transcript NM_170606.3 (MANE Select); coding-DNA position 13154, A replaced by T.
Protein change: p.Lys4385Ile; replaces lysine 4385 with isoleucine.
Molecular consequence: missense variant.
Genome position (GRCh38, 1-based): chr7:152,148,773, T>A on the plus strand (A>T on the coding strand, the complement: KMT2C is on the minus strand). VCF-style: chr7-152148773-T-A. GRCh37 (hg19) VCF-style: chr7-151845858-T-A.
Other names: short protein forms K4385I.
Identifiers: ClinVar variation 422409 (VCV000422409.2), dbSNP rs1064795761, ClinGen allele CA16618420.

ClinVar aggregate classification (germline): Likely pathogenic (1 of 4 stars; one submission).

Submission:

GeneDx
Classification: Likely pathogenic. Last evaluated: 2016-10-19. Review status: criteria provided, single submitter. Criteria: GeneDx Variant Classification (06012015). Collection method: clinical testing. Allele origin: germline. Affected: yes.
Comment: The K4385I variant in the KMT2C gene has not been reported previously as a pathogenic variant, nor as a benign variant, to our knowledge. The K4385I variant was not observed in approximately 6500 individuals of European and African American ancestry in the NHLBI Exome Sequencing Project, indicating it is not a common benign variant in these populations. The K4385I variant is a non-conservative amino acid substitution, which is likely to impact secondary protein structure as these residues differ in polarity, charge, size and/or other properties. This substitution occurs at a position that is not conserved, however, in silico analysis predicts this variant is probably damaging to the protein structure/function. The K4385I variant is a strong candidate for a pathogenic variant. However the possibility it may be a rare benign variant cannot be excluded.